The following is an entry in ClinVar:

NM_001267550.2(TTN):c.86821+1G>T

Genes: TTN-AS1 (TTN antisense RNA 1; plus strand), TTN (titin; minus strand). Cytogenetic location: 2q31.2.
Variant type: single nucleotide variant.
Coding change: c.86821+1G>T on transcript NM_001267550.2 (MANE Select); the canonical splice donor site of the intron after coding-DNA position 86821, G replaced by T.
Molecular consequence: splice donor variant.
Genome position (GRCh38, 1-based): chr2:178,559,310, C>A on the plus strand (G>T on the coding strand, the complement: TTN is on the minus strand). VCF-style: chr2-178559310-C-A. GRCh37 (hg19) VCF-style: chr2-179424037-C-A.
Other names: c.59626+1G>T (NM_003319.4); c.60202+1G>T (NM_133437.4); c.60001+1G>T (NM_133432.3); c.79117+1G>T (NM_133378.4); c.81898+1G>T (NM_001256850.1).
Identifiers: ClinVar variation 3756960 (VCV003756960.2).

ClinVar aggregate classification (germline): Pathogenic (1 of 4 stars; one submission).

Conditions:
Dilated cardiomyopathy 1G (CMD1G). Identifiers: Orphanet 154, MedGen C1858763, MONDO:0011400, OMIM 604145.
Autosomal recessive limb-girdle muscular dystrophy type 2J (LGMDR10). Also called: Limb-girdle muscular dystrophy, type 2J; MUSCULAR DYSTROPHY, LIMB-GIRDLE, AUTOSOMAL RECESSIVE 10. Identifiers: Orphanet 140922, MedGen C1837342, MONDO:0012127, OMIM 608807.

Submission:

Labcorp Genetics (formerly Invitae), Labcorp
Classification: Pathogenic for Dilated cardiomyopathy 1G; Autosomal recessive limb-girdle muscular dystrophy type 2J. Last evaluated: 2024-06-24. Review status: criteria provided, single submitter. Criteria: Invitae Variant Classification Sherloc (09022015). Collection method: clinical testing. Allele origin: germline.
Comment: This sequence change affects a donor splice site in intron 326 of the TTN gene. It is expected to disrupt RNA splicing and likely results in a truncated or disrupted TTN protein. This variant is not present in population databases (gnomAD no frequency). Disruption of this splice site has been observed in individual(s) with dilated cardiomyopathy (PMID: 22335739, 23418287, 25589632). It has also been observed to segregate with disease in related individuals. Algorithms developed to predict the effect of sequence changes on RNA splicing suggest that this variant may disrupt the consensus splice site. This variant is located in the A band of TTN (PMID: 25589632). Truncating variants in this region are significantly overrepresented in patients affected with dilated cardiomyopathy (PMID: 25589632). Truncating variants in this region have also been reported in individuals affected with autosomal recessive centronuclear myopathy (PMID: 23975875). For these reasons, this variant has been classified as Pathogenic.

Literature cited by the submitters: PubMed 22335739; PubMed 23418287; PubMed 25589632; PubMed 23975875.